The following is an entry in ClinVar:

NM_001130823.3(DNMT1):c.2669C>T (p.Ala890Val)

Gene: DNMT1 (DNA methyltransferase 1; minus strand). Cytogenetic location: 19p13.2.
Variant type: single nucleotide variant.
Coding change: c.2669C>T on transcript NM_001130823.3 (MANE Select); coding-DNA position 2669, C replaced by T.
Protein change: p.Ala890Val; replaces alanine 890 with valine.
Molecular consequence: missense variant.
Genome position (GRCh38, 1-based): chr19:10,148,935, G>A on the plus strand (C>T on the coding strand, the complement: DNMT1 is on the minus strand). VCF-style: chr19-10148935-G-A. GRCh37 (hg19) VCF-style: chr19-10259611-G-A.
Other names: c.2621C>T, p.Ala874Val (NM_001318730.2, NM_001379.4); c.2306C>T, p.Ala769Val (NM_001318731.2); short protein forms A769V, A874V, A890V.
Identifiers: ClinVar variation 3372991 (VCV003372991.1).

ClinVar aggregate classification (germline): Uncertain significance (1 of 4 stars; one submission).

gnomAD v4.1: 4 of 1,614,140 alleles (0.00025%); highest among the groups gnomAD compares: Admixed American, 0.0017%; no homozygotes.

Submission:

GeneDx
Classification: Uncertain significance. Last evaluated: 2024-04-25. Review status: criteria provided, single submitter. Criteria: GeneDx Variant Classification Process June 2021. Collection method: clinical testing. Allele origin: germline. Affected: yes.
Comment: Not observed at significant frequency in large population cohorts (gnomAD); In silico analysis supports that this missense variant has a deleterious effect on protein structure/function; Has not been previously published as pathogenic or benign to our knowledge